The following is an entry in ClinVar:

ClinVar aggregate classification (germline): Uncertain significance (1 of 4 stars; one submission).

gnomAD v4.1: 1 of 1,610,328 alleles (0.000062%); highest among the groups gnomAD compares: Non-Finnish European, 0.000085%; no homozygotes.

Submission:

GeneDx
Classification: Uncertain significance. Last evaluated: 2026-03-08. Review status: criteria provided, single submitter. Criteria: GeneDx Variant Classification Process June 2021. Collection method: clinical testing. Allele origin: germline.
Comment: Not observed at significant frequency in large population cohorts (gnomAD); In silico analysis suggests that this missense variant does not alter protein structure/function; Has not been previously published as pathogenic or benign to our knowledge

NM_001242896.3(DEPDC5):c.4051C>A (p.Gln1351Lys)

Gene: DEPDC5 (DEP domain containing 5, GATOR1 subcomplex subunit; plus strand). Cytogenetic location: 22q12.3.
Variant type: single nucleotide variant.
Coding change: c.4051C>A on transcript NM_001242896.3 (MANE Select); coding-DNA position 4051, C replaced by A.
Protein change: p.Gln1351Lys; replaces glutamine 1351 with lysine.
Molecular consequence: missense variant. On other transcripts: non-coding transcript variant (5).
Genome position (GRCh38, 1-based): chr22:31,893,599, C>A. VCF-style: chr22-31893599-C-A. GRCh37 (hg19) VCF-style: chr22-32289585-C-A.
Other names: c.4024C>A, p.Gln1342Lys (NM_001136029.4); c.3751C>A, p.Gln1251Lys (NM_001242897.2); c.3985C>A, p.Gln1329Lys (NM_001363852.2, NM_001364320.2); c.3817C>A, p.Gln1273Lys (NM_001363854.2, NM_001364319.2); c.4051C>A, p.Gln1351Lys (NM_001364318.2); c.3967C>A, p.Gln1323Lys (NM_001369901.1, NM_001369902.1); c.3958C>A, p.Gln1320Lys (NM_001369903.1, NM_014662.6); short protein forms Q1251K, Q1273K, Q1342K, Q1351K, Q1323K, Q1329K, Q1320K.
Identifiers: ClinVar variation 5008815 (VCV005008815.1).